The following is an entry in ClinVar:

NM_014989.7(RIMS1):c.2879A>G (p.Asn960Ser)

Gene: RIMS1 (regulating synaptic membrane exocytosis 1; plus strand). Cytogenetic location: 6q13.
Variant type: single nucleotide variant.
Coding change: c.2879A>G on transcript NM_014989.7 (MANE Select); coding-DNA position 2879, A replaced by G.
Protein change: p.Asn960Ser; replaces asparagine 960 with serine.
Molecular consequence: missense variant.
Genome position (GRCh38, 1-based): chr6:72,258,233, A>G. VCF-style: chr6-72258233-A-G. GRCh37 (hg19) VCF-style: chr6-72967936-A-G.
Other names: c.1298A>G, p.Asn433Ser (NM_001168407.2, NM_001350415.2, NM_001350418.2 and 19 more transcripts); c.1301A>G, p.Asn434Ser (NM_001168408.2, NM_001350414.2, NM_001350416.2 and 15 more transcripts); c.1058A>G, p.Asn353Ser (NM_001168409.2, NM_001350464.2, NM_001350465.2 and 3 more transcripts); c.1256A>G, p.Asn419Ser (NM_001168410.2, NM_001350470.2, NM_001350473.2 and 1 more transcripts); c.1229A>G, p.Asn410Ser (NM_001350421.2, NM_001350430.2, NM_001350437.2 and 2 more transcripts); c.1232A>G, p.Asn411Ser (NM_001350424.2, NM_001350428.2, NM_001350459.2 and 1 more transcripts); c.1055A>G, p.Asn352Ser (NM_001350461.2, NM_001350463.2, NM_001350468.2); c.1253A>G, p.Asn418Ser (NM_001350472.2); short protein forms N352S, N410S, N434S, N353S, N411S, N433S, N419S, N960S.
Identifiers: ClinVar variation 4703550 (VCV004703550.1).

ClinVar aggregate classification (germline): Uncertain significance (1 of 4 stars; one submission).

gnomAD v4.1: 4 of 1,613,464 alleles (0.00025%); highest among the groups gnomAD compares: African/African-American, 0.0013%; no homozygotes.

Submission:

Labcorp Genetics (formerly Invitae), Labcorp
Classification: Uncertain significance. Last evaluated: 2025-10-27. Review status: criteria provided, single submitter. Criteria: Invitae Variant Classification Sherloc (09022015). Collection method: clinical testing. Allele origin: germline.
Comment: This sequence change replaces asparagine, which is neutral and polar, with serine, which is neutral and polar, at codon 960 of the RIMS1 protein (p.Asn960Ser). This variant is present in population databases (rs547797555, gnomAD 0.007%). This variant has not been reported in the literature in individuals affected with RIMS1-related conditions. An algorithm developed to predict the effect of missense changes on protein structure and function outputs the following: PolyPhen-2: "Benign". The serine amino acid residue is found in multiple mammalian species, which suggests that this missense change does not adversely affect protein function. In summary, the available evidence is currently insufficient to determine the role of this variant in disease. Therefore, it has been classified as a Variant of Uncertain Significance.